The following is an entry in ClinVar:

NM_020975.6(RET):c.2392+159G>A

Gene: RET (ret proto-oncogene; plus strand). Cytogenetic location: 10q11.21.
Variant type: single nucleotide variant.
Coding change: c.2392+159G>A on transcript NM_020975.6 (MANE Select); 159 bases into the intron after coding-DNA position 2392, G replaced by A.
Molecular consequence: intron variant.
Genome position (GRCh38, 1-based): chr10:43,118,639, G>A. VCF-style: chr10-43118639-G-A. GRCh37 (hg19) VCF-style: chr10-43614087-G-A.
Other names: c.2392+159G>A (NM_020630.7, NM_001406743.1, NM_001406744.1 and 2 more transcripts); c.2257+159G>A (NM_001406765.1, NM_001406763.1); c.1996+159G>A (NM_001406772.1, NM_001406769.1); c.1954+159G>A (NM_001406773.1, NM_001406771.1); c.1495+159G>A (NM_001406782.1, NM_001406780.1, NM_001406779.1 and 1 more transcripts); c.1360+159G>A (NM_001406787.1); c.1375+159G>A (NM_001406785.1); c.2263+159G>A (NM_001406764.1, NM_001406762.1, NM_001406761.1); and 10 more.
Identifiers: ClinVar variation 677726 (VCV000677726.3), dbSNP rs3026767, ClinGen allele CA13320163.
Genomic context (GRCh38, chr10:43,118,639, plus strand): 5'-TGCCCTGTTTCCTGTTCTCCCTCTTTCTGGAAGCCTGGCTCAGGCCCCAGCCTGGAGCTT[G>A]TGTCTAGCTGAGTCCACGGGCTGAGTGGTCACTTTCCATCAGAGGGGCCCCGCGCTAGCG-3'

ClinVar aggregate classification (germline): Likely benign (1 of 4 stars; one submission).

Allele frequency attached by ClinVar (database versions not stated): 1000 Genomes Project 0.01018; 1000 Genomes Project 30x 0.01109; TOPMed 0.01792; gnomAD 0.01988 and 0.02002.

Submission:

GeneDx
Classification: Likely benign. Last evaluated: 2018-06-17. Review status: criteria provided, single submitter. Criteria: GeneDx Variant Classification (06012015). Collection method: clinical testing. Allele origin: germline. Affected: yes.
Comment: This variant is considered likely benign or benign based on one or more of the following criteria: it is a conservative change, it occurs at a poorly conserved position in the protein, it is predicted to be benign by multiple in silico algorithms, and/or has population frequency not consistent with disease.